The following is an entry in ClinVar:

NM_007294.4(BRCA1):c.2556dup (p.Asp853Ter)

Gene: BRCA1 (BRCA1 DNA repair associated; minus strand). Cytogenetic location: 17q21.31.
Variant type: Duplication.
Coding change: c.2556dup on transcript NM_007294.4 (MANE Select); coding-DNA position 2556, one base duplicated (T; older notation c.2556dupT).
Protein change: p.Asp853Ter; replaces aspartic acid 853 with a stop codon.
Molecular consequence: nonsense. On other transcripts: frameshift variant (1), intron variant (137).
Genome position (GRCh38, 1-based): chr17:43,092,975, A duplicated on the plus strand (T on the coding strand, the reverse complement: BRCA1 is on the minus strand); the first of 2 consecutive A bases (chr17:43,092,975-43,092,976); duplicating either gives the same sequence. VCF-style (leftmost placement, unchanged base first): chr17-43092974-C-CA. GRCh37 (hg19) VCF-style: chr17-41244991-C-CA.
Other names: c.2556dupT (NM_007294.3); c.2343dup, p.Asp782Ter (NM_001407571.1, NM_001407853.1, NM_001407894.1 and 9 more transcripts); c.2556dup, p.Asp853Ter (NM_001407581.1, NM_001407582.1, NM_001407583.1 and 30 more transcripts); c.2553dup, p.Asp852Ter (NM_001407587.1, NM_001407590.1, NM_001407591.1 and 22 more transcripts); c.2547dup, p.Asp850Ter (NM_001407646.1, NM_001407647.1); c.2433dup, p.Asp812Ter (NM_001407648.1, NM_001407664.1, NM_001407665.1 and 19 more transcripts); c.2430dup, p.Asp811Ter (NM_001407649.1, NM_001407670.1, NM_001407671.1 and 11 more transcripts); c.2478dup, p.Asp827Ter (NM_001407653.1, NM_001407654.1, NM_001407655.1 and 4 more transcripts); and 42 more; short protein forms D853*, D806*, D726*, D764*, D765*, D783*, D850*, D741*.
Identifiers: ClinVar variation 54598 (VCV000054598.4), dbSNP rs397508978, ClinGen allele CA327819.

ClinVar aggregate classification (germline): Pathogenic. Review status: reviewed by expert panel (3 of 4 stars). 3 submissions from 3 submitters: Pathogenic (1). 2 of the submissions do not count toward it. Last evaluated 2017-12-15.

Conditions:
Breast-ovarian cancer, familial, susceptibility to, 1 (BROVCA1). Also called: OVARIAN CANCER, SUSCEPTIBILITY TO; BRCA1 Hereditary Breast and Ovarian Cancer. Identifiers: Orphanet 145, MedGen C2676676, MONDO:0011450, OMIM 604370. Disease mechanism: loss of function.
Familial cancer of breast. Also called: Hereditary breast cancer; hereditary breast carcinoma; BREAST CANCER, FAMILIAL. Identifiers: Orphanet 227535, MedGen C0346153, MONDO:0016419, OMIM 114480. Disease mechanism: loss of function.

Submissions (3):

Evidence-based Network for the Interpretation of Germline Mutant Alleles (ENIGMA)
Classification: Pathogenic for Breast-ovarian cancer, familial, susceptibility to, 1. Last evaluated: 2017-12-15. Review status: reviewed by expert panel. Criteria: ENIGMA BRCA1/2 Classification Criteria (2017-06-29). Collection method: curation. Allele origin: germline. Study: ENIGMA.
Comment: Variant allele predicted to encode a truncated non-functional protein.

Molecular Pathology, Peter Maccallum Cancer Centre
Classification: Pathogenic for Breast-ovarian cancer, familial, susceptibility to, 1. Last evaluated: 2025-05-23. Review status: criteria provided, single submitter. Criteria: ACMG Guidelines, 2015. Collection method: clinical testing. Allele origin: germline. Inheritance: Autosomal dominant inheritance. Not counted in ClinVar's aggregate classification.

ClinVar Staff, National Center for Biotechnology Information (NCBI)
No classification provided. Condition: Familial cancer of breast. Review status: no classification provided. Collection method: literature only. Allele origin: germline. Affected: yes. Not counted in ClinVar's aggregate classification.

Literature cited by the submitters: PubMed 21702907 (cited by ClinVar Staff, National Center for Biotechnology Information (NCBI)).